The following is an entry in ClinVar:

NM_000038.6(APC):c.7088A>G (p.Lys2363Arg)

Gene: APC (APC regulator of Wnt signaling pathway; plus strand). Cytogenetic location: 5q22.2.
Variant type: single nucleotide variant.
Coding change: c.7088A>G on transcript NM_000038.6 (MANE Select); coding-DNA position 7088, A replaced by G.
Protein change: p.Lys2363Arg; replaces lysine 2363 with arginine.
Molecular consequence: missense variant.
Genome position (GRCh38, 1-based): chr5:112,842,682, A>G. VCF-style: chr5-112842682-A-G. GRCh37 (hg19) VCF-style: chr5-112178379-A-G.
Other names: p.K2363R:AAA>AGA; c.7088A>G, p.Lys2363Arg (NM_001127510.3, NM_001354895.2); c.7034A>G, p.Lys2345Arg (NM_001127511.3); c.7142A>G, p.Lys2381Arg (NM_001354896.2); c.7118A>G, p.Lys2373Arg (NM_001354897.2); c.7013A>G, p.Lys2338Arg (NM_001354898.2); c.7004A>G, p.Lys2335Arg (NM_001354899.2); c.6965A>G, p.Lys2322Arg (NM_001354900.2); and 6 more; short protein forms K2363R, K2345R, K2080R, K2262R, K2272R, K2335R, K2203R, K2237R.
Identifiers: ClinVar variation 127317 (VCV000127317.21), dbSNP rs587779806, ClinGen allele CA012825.

ClinVar aggregate classification (germline): Conflicting classifications of pathogenicity. Review status: criteria provided, conflicting classifications (1 of 4 stars). 5 submissions from 5 submitters: Uncertain significance (4); Likely benign (1). Last evaluated 2025-12-13.

Conditions:
Classic or attenuated familial adenomatous polyposis. Identifiers: MedGen CN372698, MONDO:0021057.
Hereditary cancer-predisposing syndrome. Also called: Hereditary Cancer Syndrome; Hereditary neoplastic syndrome; Tumor predisposition; Neoplastic Syndromes, Hereditary. Identifiers: Orphanet 140162, MedGen C0027672, MeSH D009386, MONDO:0015356.
Familial adenomatous polyposis 1 (FAP1). Also called: FAMILIAL ADENOMATOUS POLYPOSIS 1, ATTENUATED; POLYPOSIS, ADENOMATOUS INTESTINAL. Identifiers: MedGen C2713442, MONDO:0021056, OMIM 175100. Disease mechanism: loss of function.

Allele frequency attached by ClinVar (database versions not stated): gnomAD 0.00002 and 0.00001; gnomAD exomes 0.00002 and 0.00001; TOPMed 0.00003; ExAC 0.00002.
gnomAD v4.1: 7 of 1,613,464 alleles (0.00043%); highest among the groups gnomAD compares: Non-Finnish European, 0.00059%; no homozygotes.

Submissions (5):

Labcorp Genetics (formerly Invitae), Labcorp
Classification: Uncertain significance for Familial adenomatous polyposis 1. Last evaluated: 2025-12-13. Review status: criteria provided, single submitter. Criteria: Invitae Variant Classification Sherloc (09022015). Collection method: clinical testing. Allele origin: germline.
Comment: This sequence change replaces lysine, which is basic and polar, with arginine, which is basic and polar, at codon 2363 of the APC protein (p.Lys2363Arg). This variant is present in population databases (rs587779806, gnomAD 0.004%). This variant has not been reported in the literature in individuals affected with APC-related conditions. ClinVar contains an entry for this variant (Variation ID: 127317). Invitae Evidence Modeling of protein sequence and biophysical properties (such as structural, functional, and spatial information, amino acid conservation, physicochemical variation, residue mobility, and thermodynamic stability) indicates that this missense variant is not expected to disrupt APC protein function with a negative predictive value of 95%. In summary, the available evidence is currently insufficient to determine the role of this variant in disease. Therefore, it has been classified as a Variant of Uncertain Significance.

All of Us Research Program, National Institutes of Health
Classification: Uncertain significance for Classic or attenuated familial adenomatous polyposis. Last evaluated: 2024-07-20. Review status: criteria provided, single submitter. Criteria: ACMG Guidelines, 2015. Collection method: clinical testing. Allele origin: germline. Inheritance: Autosomal dominant inheritance. Observed: 2 variant alleles, 2 heterozygotes.
Comment: This missense variant replaces lysine with arginine at codon 2363 of the APC protein. Computational prediction suggests that this variant may not impact protein structure and function (internally defined REVEL score threshold <= 0.5, PMID: 27666373). To our knowledge, functional studies have not been reported for this variant. This variant has not been reported in individuals affected with APC-related disorders in the literature. This variant has been identified in 4/249580 chromosomes in the general population by the Genome Aggregation Database (gnomAD). The available evidence is insufficient to determine the role of this variant in disease conclusively. Therefore, this variant is classified as a Variant of Uncertain Significance.

This study involves interpretation of variants in research participants for the purpose of population health screening. Participant phenotype was not available at the time of variant classification. Additional details can be found in publication PMID: 35346344, PMCID: PMC8962531

Baylor Genetics
Classification: Uncertain significance for Familial adenomatous polyposis 1. Last evaluated: 2024-01-24. Review status: criteria provided, single submitter. Criteria: ACMG Guidelines, 2015. Collection method: clinical testing. Allele origin: unknown.

Ambry Genetics
Classification: Likely benign for Hereditary cancer-predisposing syndrome. Last evaluated: 2022-09-22. Review status: criteria provided, single submitter. Criteria: Ambry Variant Classification Scheme 2023. Collection method: clinical testing. Allele origin: germline.

GeneDx
Classification: Uncertain significance. Last evaluated: 2015-06-23. Review status: criteria provided, single submitter. Criteria: GeneDx Variant Classification (06012015). Collection method: clinical testing. Allele origin: germline. Affected: yes.
Comment: This variant is denoted APC c.7088A>G at the cDNA level, p.Lys2363Arg (K2363R) at the protein level, and results in the change of a Lysine to an Arginine (AAA>AGA). This variant has not, to our knowledge, been published in the literature as pathogenic or benign. APC Lys2363Arg was not observed in approximately 6,500 individuals of European and African American ancestry in the NHLBI Exome Sequencing Project, indicating it is not a common benign variant in these populations. Since Lysine and Arginine share similar properties, this is considered a conservative amino acid substitution. APC Lys2363Arg occurs at a position where amino acids with properties similar to Lysine are tolerated across species and is located in the basic domain and the Ser-rich region (Azzopardi 2008, UniProt) In silico analyses are inconsistent regarding the effect this variant may have on protein structure and function. Based on currently available information, it is unclear whether APC Lys2363Arg is pathogenic or benign. We consider it to be a variant of uncertain significance.